The following is an entry in ClinVar:

ClinVar aggregate classification (germline): Likely benign (0 of 4 stars; one submission).

Conditions:
PHYKPL-related disorder. Also called: PHYKPL-related condition.

Allele frequency attached by ClinVar (database versions not stated): gnomAD exomes 0.00010; 1000 Genomes Project 30x 0.00031; ExAC 0.00033; 1000 Genomes Project 0.00040; gnomAD 0.00101; TOPMed 0.00113; ESP Exome Variant Server 0.00146.
gnomAD v4.1: 317 of 1,612,786 alleles (0.02%); highest among the groups gnomAD compares: African/African-American, 0.37%; 1 homozygote.

Submission:

PreventionGenetics, part of Exact Sciences
Classification: Likely benign for PHYKPL-related condition. Last evaluated: 2020-06-19. Review status: no assertion criteria provided. Collection method: clinical testing. Allele origin: germline.
Comment: This variant is classified as likely benign based on ACMG/AMP sequence variant interpretation guidelines (Richards et al. 2015 PMID: 25741868, with internal and published modifications).

NM_153373.4(PHYKPL):c.417G>A (p.Ala139=)

Gene: PHYKPL (5-phosphohydroxy-L-lysine phospho-lyase; minus strand). Cytogenetic location: 5q35.3.
Variant type: single nucleotide variant.
Coding change: c.417G>A on transcript NM_153373.4 (MANE Select); coding-DNA position 417, G replaced by A.
Protein change: p.Ala139=; no amino-acid change (alanine 139 retained).
Molecular consequence: synonymous variant. On other transcripts: non-coding transcript variant (3).
Genome position (GRCh38, 1-based): chr5:178,224,726, C>T on the plus strand (G>A on the coding strand, the complement: PHYKPL is on the minus strand). VCF-style: chr5-178224726-C-T. GRCh37 (hg19) VCF-style: chr5-177651727-C-T.
Other names: c.294G>A, p.Ala98= (NM_001278346.1); c.-230G>A (NM_032921.1).
Identifiers: ClinVar variation 3033251 (VCV003033251.2), dbSNP rs114298500, ClinGen allele CA3590322.
Genomic context (GRCh38, chr5:178,224,726, plus strand): 5'-ATCCAGGTTGCGGAACTTGTAGGGACTGATGTCAATCAGGGAGCTCAGGTGGCCGTGATA[C>T]GCACTGGGGAGGAGAAGGGAGGGTAGGCTCGGGTCCGGGCAGCACCTACTCCCTGGCCCA-3'
Protein context (NP_699204.1, residues 129-149): GHQDVVVLDH[Ala139=]YHGHLSSLID